The following is an entry in ClinVar:

NM_000051.4(ATM):c.5674+1G>T

Gene: ATM (ATM serine/threonine kinase; plus strand). Cytogenetic location: 11q22.3.
Variant type: single nucleotide variant.
Coding change: c.5674+1G>T on transcript NM_000051.4 (MANE Select); the canonical splice donor site of the intron after coding-DNA position 5674, G replaced by T.
Molecular consequence: splice donor variant.
Genome position (GRCh38, 1-based): chr11:108,304,853, G>T. VCF-style: chr11-108304853-G-T. GRCh37 (hg19) VCF-style: chr11-108175580-G-T.
Other names: c.5674+1G>T (NM_001351834.2).
Identifiers: ClinVar variation 629599 (VCV000629599.18), dbSNP rs1565482453, ClinGen allele CA382546623.

ClinVar aggregate classification (germline): Pathogenic/Likely pathogenic. Review status: criteria provided, multiple submitters, no conflicts (2 of 4 stars). 6 submissions from 6 submitters: Pathogenic (1); Likely pathogenic (4). 1 of the submissions does not count toward it. Last evaluated 2025-12-01.

Conditions:
Hereditary cancer-predisposing syndrome. Also called: Tumor predisposition; Neoplastic Syndromes, Hereditary; Hereditary Cancer Syndrome; Hereditary neoplastic syndrome. Identifiers: Orphanet 140162, MedGen C0027672, MeSH D009386, MONDO:0015356.
Familial cancer of breast. Also called: BREAST CANCER, FAMILIAL; Hereditary breast cancer; hereditary breast carcinoma. Identifiers: Orphanet 227535, MedGen C0346153, MONDO:0016419, OMIM 114480. Disease mechanism: loss of function.
Ataxia-telangiectasia syndrome (AT). Also called: ATAXIA-TELANGIECTASIA, COMPLEMENTATION GROUP A; ATAXIA-TELANGIECTASIA, FRESNO VARIANT; LOUIS-BAR SYNDROME; Ataxia telangiectasia (A-T); Cerebello-oculocutaneous telangiectasia; Immunodeficiency with ataxia telangiectasia. Identifiers: Orphanet 100, MedGen C0004135, MONDO:0008840, OMIM 208900.

Submissions (6):

Ambry Genetics
Classification: Likely pathogenic for Hereditary cancer-predisposing syndrome. Last evaluated: 2025-12-01. Review status: criteria provided, single submitter. Criteria: Ambry Variant Classification Scheme 2023. Collection method: clinical testing. Allele origin: germline.
Comment: The c.5674+1G>T intronic variant results from a G to T substitution one nucleotide after coding exon 36 of the ATM gene. This nucleotide position is highly conserved in available vertebrate species. In silico splice site analysis predicts that this alteration will weaken the native splice donor site. RNA analyses have shown that this alteration leads to aberrant splicing (Casadei S et al. Proc. Natl. Acad. Sci. U.S.A., 2019 Dec). This variant is considered to be rare based on population cohorts in the Genome Aggregation Database (gnomAD). Alterations that disrupt the canonical splice site are expected to cause aberrant splicing, resulting in an abnormal protein or a transcript that is subject to nonsense-mediated mRNA decay. As such, this alteration is classified as likely pathogenic.

Labcorp Genetics (formerly Invitae), Labcorp
Classification: Pathogenic for Ataxia-telangiectasia syndrome. Last evaluated: 2024-09-29. Review status: criteria provided, single submitter. Criteria: Invitae Variant Classification Sherloc (09022015). Collection method: clinical testing. Allele origin: germline.
Comment: This sequence change affects a donor splice site in intron 37 of the ATM gene. RNA analysis indicates that disruption of this splice site induces altered splicing and may result in an absent or altered protein product. This variant is not present in population databases (gnomAD no frequency). Disruption of this splice site has been observed in individual(s) with breast cancer and other cancers (PMID: 31843900). It has also been observed to segregate with disease in related individuals. ClinVar contains an entry for this variant (Variation ID: 629599). Studies have shown that disruption of this splice site results in multiple aberrent transcripts, and produces a non-functional protein and/or introduces a premature termination codon (PMID: 31843900; internal data). For these reasons, this variant has been classified as Pathogenic.

Myriad Genetics, Inc.
Classification: Likely pathogenic for Familial cancer of breast. Last evaluated: 2024-01-25. Review status: criteria provided, single submitter. Criteria: Myriad Autosomal Dominant, Autosomal Recessive and X-Linked Classification Criteria (2023). Collection method: clinical testing. Allele origin: unknown.
Comment: This variant is considered likely pathogenic. This variant occurs within a consensus splice junction and is predicted to result in abnormal mRNA splicing of either an out-of-frame exon or an in-frame exon necessary for protein stability and/or normal function.

GeneDx
Classification: Likely pathogenic. Last evaluated: 2022-06-16. Review status: criteria provided, single submitter. Criteria: GeneDx Variant Classification Process June 2021. Collection method: clinical testing. Allele origin: germline. Affected: yes.
Comment: Canonical splice site variant shown to result in multiple aberrant transcripts resulting in null alleles in patient RNA, in a gene for which loss of function is a known mechanism of disease (Casadei 2019); Not observed at significant frequency in large population cohorts (gnomAD); Also known as IVS39+1G>T; Observed in multiple individuals from one family with a personal history including breast, ovarian, and other cancers (Casadei 2019); This variant is associated with the following publications: (PMID: 31843900)

Color Diagnostics, LLC DBA Color Health
Classification: Likely pathogenic for Hereditary cancer-predisposing syndrome. Last evaluated: 2021-07-01. Review status: criteria provided, single submitter. Criteria: ACMG Guidelines, 2015. Collection method: clinical testing. Allele origin: germline.
Comment: This variant causes a G to T nucleotide substitution at the +1 position of intron 37 of the ATM gene. An RNA study has reported that this variant leads to multiple aberrant RNA transcripts, all of which are expected to result in an absent or non-functional protein product (PMID: 31843900). To our knowledge, this variant has not been reported in individuals affected with hereditary cancer in the literature. This variant has not been identified in the general population by the Genome Aggregation Database (gnomAD). Loss of ATM function is a known mechanism of disease. Based on the available evidence, this variant is classified as Likely Pathogenic.

King Laboratory, University of Washington
Classification: Pathogenic for Familial cancer of breast. Last evaluated: 2019-09-01. Review status: no assertion criteria provided. Collection method: research. Allele origin: germline. Affected: yes. Not counted in ClinVar's aggregate classification.
Comment: Transcript analysis by cBROCA

Literature cited by the submitters: PubMed 31843900 (cited by 3 submitters).